The following is an entry in ClinVar:

ClinVar aggregate classification (germline): Uncertain significance. Review status: criteria provided, multiple submitters, no conflicts (2 of 4 stars). 2 submissions from 2 submitters: Uncertain significance (2). Last evaluated 2025-06-16.

Allele frequency attached by ClinVar (database versions not stated): gnomAD 0.00001; TOPMed 0.00001.
gnomAD v4.1: 1 of 1,613,592 alleles (0.000062%); highest among the groups gnomAD compares: African/African-American, 0.0013%; no homozygotes.

Submissions (2):

Labcorp Genetics (formerly Invitae), Labcorp
Classification: Uncertain significance. Last evaluated: 2025-06-16. Review status: criteria provided, single submitter. Criteria: Invitae Variant Classification Sherloc (09022015). Collection method: clinical testing. Allele origin: germline.
Comment: This sequence change replaces aspartic acid, which is acidic and polar, with glutamic acid, which is acidic and polar, at codon 2877 of the HMCN1 protein (p.Asp2877Glu). This variant is not present in population databases (gnomAD no frequency). This variant has not been reported in the literature in individuals affected with HMCN1-related conditions. ClinVar contains an entry for this variant (Variation ID: 1385141). An algorithm developed to predict the effect of missense changes on protein structure and function (PolyPhen-2) suggests that this variant is likely to be disruptive. In summary, the available evidence is currently insufficient to determine the role of this variant in disease. Therefore, it has been classified as a Variant of Uncertain Significance.

Ambry Genetics
Classification: Uncertain significance. Last evaluated: 2025-05-13. Review status: criteria provided, single submitter. Criteria: Ambry Variant Classification Scheme 2023. Collection method: clinical testing. Allele origin: germline.

NM_031935.3(HMCN1):c.8631T>A (p.Asp2877Glu)

Gene: HMCN1 (hemicentin 1; plus strand). Cytogenetic location: 1q31.1.
Variant type: single nucleotide variant.
Coding change: c.8631T>A on transcript NM_031935.3 (MANE Select); coding-DNA position 8631, T replaced by A.
Protein change: p.Asp2877Glu; replaces aspartic acid 2877 with glutamic acid.
Molecular consequence: missense variant.
Genome position (GRCh38, 1-based): chr1:186,081,238, T>A. VCF-style: chr1-186081238-T-A. GRCh37 (hg19) VCF-style: chr1-186050370-T-A.
Other names: c.8631T>A (NM_031935.2); short protein forms D2877E.
Identifiers: ClinVar variation 1385141 (VCV001385141.7), dbSNP rs913131873, ClinGen allele CA33472879.